The following is an entry in ClinVar:

NM_005076.5(CNTN2):c.931T>C (p.Ser311Pro)

Gene: CNTN2 (contactin 2; plus strand). Cytogenetic location: 1q32.1.
Variant type: single nucleotide variant.
Coding change: c.931T>C on transcript NM_005076.5 (MANE Select); coding-DNA position 931, T replaced by C.
Protein change: p.Ser311Pro; replaces serine 311 with proline.
Molecular consequence: missense variant. On other transcripts: non-coding transcript variant (1).
Genome position (GRCh38, 1-based): chr1:205,061,378, T>C. VCF-style: chr1-205061378-T-C. GRCh37 (hg19) VCF-style: chr1-205030506-T-C.
Other names: c.931T>C, p.Ser311Pro (NM_001346083.2); short protein forms S311P.
Identifiers: ClinVar variation 420353 (VCV000420353.4), dbSNP rs1064794428, ClinGen allele CA16617041.

ClinVar aggregate classification (germline): Uncertain significance. Review status: criteria provided, multiple submitters, no conflicts (2 of 4 stars). 2 submissions from 2 submitters: Uncertain significance (2). Last evaluated 2020-06-05.

Conditions:
Epilepsy, familial adult myoclonic, 5 (EPEO5). Also called: CORTICAL MYOCLONIC TREMOR WITH EPILEPSY, FAMILIAL, 5. Identifiers: Orphanet 86814, MedGen C3809374, MONDO:0014167, OMIM 615400.

Submissions (2):

New York Genome Center
Classification: Uncertain significance for Epilepsy, familial adult myoclonic, 5. Last evaluated: 2020-06-05. Review status: criteria provided, single submitter. Criteria: NYGC Assertion Criteria 2020. Collection method: clinical testing. Allele origin: germline. Observed: 1 heterozygote. Study: CSER-NYCKidSeq.

GeneDx
Classification: Uncertain significance. Last evaluated: 2019-04-25. Review status: criteria provided, single submitter. Criteria: GeneDx Variant Classification Process June 2021. Collection method: clinical testing. Allele origin: germline. Affected: yes.
Comment: Not observed in large population cohorts (Lek et al., 2016); Has not been previously published as pathogenic or benign to our knowledge